The following is an entry in ClinVar:

NM_152383.5(DIS3L2):c.1271A>T (p.Asp424Val)

Gene: DIS3L2 (DIS3 like 3'-5' exoribonuclease 2; plus strand). Cytogenetic location: 2q37.1.
Variant type: single nucleotide variant.
Coding change: c.1271A>T on transcript NM_152383.5 (MANE Select); coding-DNA position 1271, A replaced by T.
Protein change: p.Asp424Val; replaces aspartic acid 424 with valine.
Molecular consequence: missense variant. On other transcripts: non-coding transcript variant (2).
Genome position (GRCh38, 1-based): chr2:232,238,599, A>T. VCF-style: chr2-232238599-A-T. GRCh37 (hg19) VCF-style: chr2-233103309-A-T.
Other names: c.1271A>T, p.Asp424Val (NM_001257281.2); short protein forms D424V.
Identifiers: ClinVar variation 1403453 (VCV001403453.8), dbSNP rs1692997849, ClinGen allele CA351154696.
Genomic context (GRCh38, chr2:232,238,599, plus strand): 5'-TCAAAGTGGGAGTTCACATTGCTGACGTGAGTTACTTTGTTCCGGAGGGATCTGATCTGG[A>T]TAAAGTGGCTGCCGAGAGGGCTACAAGCGTCTACTTGGTTCAAAAGGTAAAAATCCATCT-3'
Protein context (NP_689596.4, residues 414-434): SYFVPEGSDL[Asp424Val]KVAAERATSV

ClinVar aggregate classification (germline): Uncertain significance (1 of 4 stars; one submission).

Conditions:
Perlman syndrome (PRLMNS). Identifiers: Orphanet 2849, MedGen C0796113, MONDO:0009965, OMIM 267000.

Allele frequency attached by ClinVar (database versions not stated): gnomAD exomes below 0.00001.
gnomAD v4.1: 1 of 1,614,196 alleles (0.000062%); highest among the groups gnomAD compares: East Asian, 0.0022%; no homozygotes.

Submission:

Labcorp Genetics (formerly Invitae), Labcorp
Classification: Uncertain significance for Perlman syndrome. Last evaluated: 2024-03-06. Review status: criteria provided, single submitter. Criteria: Invitae Variant Classification Sherloc (09022015). Collection method: clinical testing. Allele origin: germline.
Comment: This sequence change replaces aspartic acid, which is acidic and polar, with valine, which is neutral and non-polar, at codon 424 of the DIS3L2 protein (p.Asp424Val). This variant is not present in population databases (gnomAD no frequency). This variant has not been reported in the literature in individuals affected with DIS3L2-related conditions. ClinVar contains an entry for this variant (Variation ID: 1403453). Advanced modeling of protein sequence and biophysical properties (such as structural, functional, and spatial information, amino acid conservation, physicochemical variation, residue mobility, and thermodynamic stability) performed at Invitae indicates that this missense variant is expected to disrupt DIS3L2 protein function with a positive predictive value of 80%. In summary, the available evidence is currently insufficient to determine the role of this variant in disease. Therefore, it has been classified as a Variant of Uncertain Significance.